The following is an entry in ClinVar:

ClinVar aggregate classification (germline): Pathogenic (1 of 4 stars; one submission).

Conditions:
Rare genetic deafness. Identifiers: Orphanet 96210, MedGen C5680250.

Submission:

Laboratory for Molecular Medicine, Mass General Brigham Personalized Medicine
Classification: Pathogenic for Rare genetic deafness. Last evaluated: 2015-05-20. Review status: criteria provided, single submitter. Criteria: LMM Criteria. Collection method: clinical testing. Allele origin: germline. Inheritance: Autosomal recessive inheritance. Observed: 1 variant allele.
Comment: The exon 26 deletion in PCDH15 has not been previously reported in individuals w ith hearing loss or Usher syndrome; however, a deletion encompassing exons 18-26 has been reported in 1 individual with Usher syndrome (Roux 2011, Besnard 2014) . The deletion of exon 26 causes a frameshift, and is therefore predicted to res ult in an absent or truncated protein. In addition, several other large deletion s in the PCDH15 gene have been previously reported in Usher patients (Aller 2010 ), and loss of function variants in PCDH15 are causative for Usher syndrome. In summary, this variant meets our criteria to be classified as pathogenic for auto somal recessive Usher syndrome based on the predicted impact to the protein (www .).

Literature cited by the submitters: PubMed 21436283; PubMed 24498627; PubMed 20538994.

NM_033056.3(PCDH15):c.(?_3374)_(3501_?)del

Gene: PCDH15 (protocadherin related 15; minus strand). Cytogenetic location: 10q21.1.
Variant type: Deletion.
Coding change: c.(?_3374)_(3501_?)del on transcript NM_033056.3; a large deletion whose breakpoints are not mapped to the base.
Identifiers: ClinVar variation 228388 (VCV000228388.5).